The following is an entry in ClinVar:

NM_000037.4(ANK1):c.2370G>T (p.Thr790=)

Genes: ANK1 (ankyrin 1; minus strand), LOC130000286 (ATAC-STARR-seq lymphoblastoid active region 27293; plus strand). Cytogenetic location: 8p11.21.
Variant type: single nucleotide variant.
Coding change: c.2370G>T on transcript NM_000037.4 (MANE Select); coding-DNA position 2370, G replaced by T.
Protein change: p.Thr790=; no amino-acid change (threonine 790 retained).
Molecular consequence: synonymous variant.
Genome position (GRCh38, 1-based): chr8:41,702,070, C>A on the plus strand (G>T on the coding strand, the complement: ANK1 is on the minus strand). VCF-style: chr8-41702070-C-A. GRCh37 (hg19) VCF-style: chr8-41559588-C-A.
Other names: c.2469G>T, p.Thr823= (NM_001142446.2); c.2370G>T, p.Thr790= (NM_020475.3, NM_020476.3, NM_020477.3).
Identifiers: ClinVar variation 363016 (VCV000363016.13), dbSNP rs540304535, ClinGen allele CA4728268.

ClinVar aggregate classification (germline): Conflicting classifications of pathogenicity. Review status: criteria provided, conflicting classifications (1 of 4 stars). 3 submissions from 2 submitters: Uncertain significance (1); Likely benign (2). Last evaluated 2025-08-01.

Conditions:
Spherocytosis. Identifiers: MedGen C0553720, HP:0004444.
Hereditary spherocytosis type 1. Also called: Spherocytosis type 1; ANK1-Related Spherocytosis. Identifiers: Orphanet 822, MedGen C2674218, MONDO:0008447, OMIM 182900.

Allele frequency attached by ClinVar (database versions not stated): TOPMed below 0.00001; gnomAD 0.00001 and 0.00008; 1000 Genomes Project 0.00040; ExAC 0.00045; gnomAD exomes 0.00046; 1000 Genomes Project 30x 0.00062.
gnomAD v4.1: 349 of 1,614,148 alleles (0.022%); highest among the groups gnomAD compares: South Asian, 0.37%; 8 homozygotes.

Submissions (3):

CeGaT Center for Human Genetics Tuebingen
Classification: Likely benign. Last evaluated: 2025-08-01. Review status: criteria provided, single submitter. Criteria: CeGaT Center For Human Genetics Tuebingen Variant Classification Criteria Version 2. Collection method: clinical testing. Allele origin: germline. Affected: yes. Observed: 1 variant allele.
Comment: ANK1: BP4, BP7

Illumina Laboratory Services, Illumina
Classification: Likely benign for Hereditary spherocytosis type 1. Last evaluated: 2018-01-13. Review status: criteria provided, single submitter. Criteria: ICSL Variant Classification Criteria 13 December 2019. Collection method: clinical testing. Allele origin: germline.
Comment: This variant was observed in the ICSL laboratory as part of a predisposition screen in an ostensibly healthy population. It had not been previously curated by ICSL or reported in the Human Gene Mutation Database (HGMD: prior to June 1st, 2018), and was therefore a candidate for classification through an automated scoring system. Utilizing variant allele frequency, disease prevalence and penetrance estimates, and inheritance mode, an automated score was calculated to assess if this variant is too frequent to cause the disease. Based on the score and internal cut-off values, a variant classified as likely benign is not then subjected to further curation. The score for this variant resulted in a classification of likely benign for this disease.

Illumina Laboratory Services, Illumina
Classification: Uncertain significance for Spherocytosis. Last evaluated: 2018-01-13. Review status: criteria provided, single submitter. Criteria: ICSL Variant Classification Criteria 13 December 2019. Collection method: clinical testing. Allele origin: germline.